The following is an entry in ClinVar:

ClinVar aggregate classification (germline): Uncertain significance (1 of 4 stars; one submission).

gnomAD v4.1: 1 of 1,613,804 alleles (0.000062%); highest among the groups gnomAD compares: African/African-American, 0.0013%; no homozygotes.

Submission:

GeneDx
Classification: Uncertain significance. Last evaluated: 2025-03-13. Review status: criteria provided, single submitter. Criteria: GeneDx Variant Classification Process June 2021. Collection method: clinical testing. Allele origin: germline. Affected: yes.
Comment: Identified in a patient with developmental delay, behavioral issues, sleep disturbance, and distinctive facial features in the published literature, however this individual also harbored a variant in a different gene that may have contributed to these features (PMID: 38387458); Not observed at significant frequency in large population cohorts (gnomAD); In silico analysis supports that this missense variant has a deleterious effect on protein structure/function; This variant is associated with the following publications: (PMID: 38387458)

NM_001854.4(COL11A1):c.2921C>G (p.Pro974Arg)

Gene: COL11A1 (collagen type XI alpha 1 chain; minus strand). Cytogenetic location: 1p21.1.
Variant type: single nucleotide variant.
Coding change: c.2921C>G on transcript NM_001854.4 (MANE Select); coding-DNA position 2921, C replaced by G.
Protein change: p.Pro974Arg; replaces proline 974 with arginine.
Molecular consequence: missense variant. On other transcripts: non-coding transcript variant (1).
Genome position (GRCh38, 1-based): chr1:102,962,756, G>C on the plus strand (C>G on the coding strand, the complement: COL11A1 is on the minus strand). VCF-style: chr1-102962756-G-C. GRCh37 (hg19) VCF-style: chr1-103428312-G-C.
Other names: c.2804C>G, p.Pro935Arg (NM_001190709.2); c.2957C>G, p.Pro986Arg (NM_080629.3); c.2573C>G, p.Pro858Arg (NM_080630.4); short protein forms P858R, P935R, P974R, P986R.
Identifiers: ClinVar variation 1313487 (VCV001313487.3), dbSNP rs78046647, ClinGen allele CA341158185.
Genomic context (GRCh38, chr1:102,962,756, plus strand): 5'-CCAGGAGGGCCAGGAGGGCCAGGATGCCCACGTTCCCCTATTGGACCAGTCTCACCGGTT[G>C]GTCCCTAAATTAGATAAGCAAAATCACTTTAGATTGCTCTTTTATTTTTGGCAAAGATAA-3'
Protein context (NP_001845.3, residues 964-984): GPGGVVGPQG[Pro974Arg]TGETGPIGER